The following is an entry in ClinVar:

NM_005502.4(ABCA1):c.333G>T (p.Arg111Ser)

Gene: ABCA1 (ATP binding cassette subfamily A member 1; minus strand). Cytogenetic location: 9q31.1.
Variant type: single nucleotide variant.
Coding change: c.333G>T on transcript NM_005502.4 (MANE Select); coding-DNA position 333, G replaced by T.
Protein change: p.Arg111Ser; replaces arginine 111 with serine.
Molecular consequence: missense variant.
Genome position (GRCh38, 1-based): chr9:104,883,127, C>A on the plus strand (G>T on the coding strand, the complement: ABCA1 is on the minus strand). VCF-style: chr9-104883127-C-A. GRCh37 (hg19) VCF-style: chr9-107645408-C-A.
Other names: short protein forms R111S.
Identifiers: ClinVar variation 3617034 (VCV003617034.3).
Genomic context (GRCh38, chr9:104,883,127, plus strand): 5'-TGTTCTCAGAACTTTGCGCATGTCCTTCATGCTGGTGTCTTTCTGGCTGTATAAAAGAAG[C>A]CTCCGAGCATCTGAGAACAGGCGAGCCACACTGTAAAGGGTGCAAGAAAAGGCGAAAGGC-3'
Protein context (NP_005493.2, residues 101-121): IVARLFSDAR[Arg111Ser]LLLYSQKDTS

ClinVar aggregate classification (germline): Uncertain significance. Review status: criteria provided, multiple submitters, no conflicts (2 of 4 stars). 2 submissions from 2 submitters: Uncertain significance (2). Last evaluated 2024-06-26.

gnomAD v4.1: 5 of 1,613,594 alleles (0.00031%); highest among the groups gnomAD compares: South Asian, 0.0011%; no homozygotes.

Submissions (2):

Labcorp Genetics (formerly Invitae), Labcorp
Classification: Uncertain significance. Last evaluated: 2024-06-26. Review status: criteria provided, single submitter. Criteria: Invitae Variant Classification Sherloc (09022015). Collection method: clinical testing. Allele origin: germline.
Comment: This sequence change replaces arginine, which is basic and polar, with serine, which is neutral and polar, at codon 111 of the ABCA1 protein (p.Arg111Ser). This variant is present in population databases (rs543312335, gnomAD 0.01%). This variant has not been reported in the literature in individuals affected with ABCA1-related conditions. Advanced modeling of protein sequence and biophysical properties (such as structural, functional, and spatial information, amino acid conservation, physicochemical variation, residue mobility, and thermodynamic stability) performed at Invitae indicates that this missense variant is not expected to disrupt ABCA1 protein function with a negative predictive value of 95%. In summary, the available evidence is currently insufficient to determine the role of this variant in disease. Therefore, it has been classified as a Variant of Uncertain Significance.

Blueprint Genetics
Classification: Uncertain significance. Last evaluated: 2019-05-17. Review status: criteria provided, single submitter. Criteria: ACMG Guidelines, 2015. Collection method: clinical testing. Allele origin: germline.